The following is an entry in ClinVar:

NM_152703.5(SAMD9L):c.215A>G (p.Tyr72Cys)

Gene: SAMD9L (sterile alpha motif domain containing 9 like; minus strand). Cytogenetic location: 7q21.2.
Variant type: single nucleotide variant.
Coding change: c.215A>G on transcript NM_152703.5 (MANE Select); coding-DNA position 215, A replaced by G.
Protein change: p.Tyr72Cys; replaces tyrosine 72 with cysteine.
Molecular consequence: missense variant.
Genome position (GRCh38, 1-based): chr7:93,135,757, T>C on the plus strand (A>G on the coding strand, the complement: SAMD9L is on the minus strand). VCF-style: chr7-93135757-T-C. GRCh37 (hg19) VCF-style: chr7-92765070-T-C.
Other names: c.215A>G, p.Tyr72Cys (NM_001303496.3, NM_001303497.3, NM_001303498.3 and 5 more transcripts); short protein forms Y72C.
Identifiers: ClinVar variation 1392458 (VCV001392458.8), dbSNP rs2116507648, ClinGen allele CA368206630.

ClinVar aggregate classification (germline): Uncertain significance (1 of 4 stars; one submission).

Allele frequency attached by ClinVar (database versions not stated): gnomAD exomes below 0.00001.
gnomAD v4.1: 2 of 1,614,060 alleles (0.00012%); highest among the groups gnomAD compares: Non-Finnish European, 0.00017%; no homozygotes.

Submission:

Labcorp Genetics (formerly Invitae), Labcorp
Classification: Uncertain significance. Last evaluated: 2021-07-20. Review status: criteria provided, single submitter. Criteria: Invitae Variant Classification Sherloc (09022015). Collection method: clinical testing. Allele origin: germline.
Comment: In summary, the available evidence is currently insufficient to determine the role of this variant in disease. Therefore, it has been classified as a Variant of Uncertain Significance. This sequence change replaces tyrosine with cysteine at codon 72 of the SAMD9L protein (p.Tyr72Cys). The tyrosine residue is moderately conserved and there is a large physicochemical difference between tyrosine and cysteine. This variant is not present in population databases (ExAC no frequency). This variant has not been reported in the literature in individuals affected with SAMD9L-related conditions. Algorithms developed to predict the effect of missense changes on protein structure and function are either unavailable or do not agree on the potential impact of this missense change (SIFT: "Not Available"; PolyPhen-2: "Benign"; Align-GVGD: "Not Available").